The following is an entry in ClinVar:

NM_000096.4(CP):c.338C>T (p.Ala113Val)

Gene: CP (ceruloplasmin; minus strand). Cytogenetic location: 3q25.1.
Variant type: single nucleotide variant.
Coding change: c.338C>T on transcript NM_000096.4 (MANE Select); coding-DNA position 338, C replaced by T.
Protein change: p.Ala113Val; replaces alanine 113 with valine.
Molecular consequence: missense variant. On other transcripts: non-coding transcript variant (1).
Genome position (GRCh38, 1-based): chr3:149,212,507, G>A on the plus strand (C>T on the coding strand, the complement: CP is on the minus strand). VCF-style: chr3-149212507-G-A. GRCh37 (hg19) VCF-style: chr3-148930294-G-A.
Other names: short protein forms A113V.
Identifiers: ClinVar variation 1008096 (VCV001008096.8), dbSNP rs1378270514, ClinGen allele CA354919763.

ClinVar aggregate classification (germline): Uncertain significance (1 of 4 stars; one submission).

Conditions:
Deficiency of ferroxidase (ACEP). Also called: Aceruloplasminemia; Ceruloplasmin deficiency; Familial apoceruloplasmin deficiency; Hereditary ceruloplasmin deficiency; Deficiency of ceruloplasmin; NEURODEGENERATION WITH BRAIN IRON ACCUMULATION 10. Identifiers: Orphanet 48818, MedGen C0878682, MONDO:0011426, OMIM 604290, HP:0025498.

Allele frequency attached by ClinVar (database versions not stated): gnomAD exomes below 0.00001 and 0.00003; TOPMed below 0.00001; gnomAD 0.00001.
gnomAD v4.1: 41 of 1,613,768 alleles (0.0025%); highest among the groups gnomAD compares: Non-Finnish European, 0.0033%; no homozygotes.

Submission:

Labcorp Genetics (formerly Invitae), Labcorp
Classification: Uncertain significance for Deficiency of ferroxidase. Last evaluated: 2022-02-11. Review status: criteria provided, single submitter. Criteria: Invitae Variant Classification Sherloc (09022015). Collection method: clinical testing. Allele origin: germline.
Comment: In summary, the available evidence is currently insufficient to determine the role of this variant in disease. Therefore, it has been classified as a Variant of Uncertain Significance. Advanced modeling of protein sequence and biophysical properties (such as structural, functional, and spatial information, amino acid conservation, physicochemical variation, residue mobility, and thermodynamic stability) performed at Invitae indicates that this missense variant is expected to disrupt CP protein function. ClinVar contains an entry for this variant (Variation ID: 1008096). This variant has not been reported in the literature in individuals affected with CP-related conditions. This variant is present in population databases (no rsID available, gnomAD 0.0009%). This sequence change replaces alanine, which is neutral and non-polar, with valine, which is neutral and non-polar, at codon 113 of the CP protein (p.Ala113Val).